The following is an entry in ClinVar:

NM_023110.3(FGFR1):c.701A>G (p.Asn234Ser)

Gene: FGFR1 (fibroblast growth factor receptor 1; minus strand). Cytogenetic location: 8p11.23.
Variant type: single nucleotide variant.
Coding change: c.701A>G on transcript NM_023110.3 (MANE Select); coding-DNA position 701, A replaced by G.
Protein change: p.Asn234Ser; replaces asparagine 234 with serine.
Molecular consequence: missense variant.
Genome position (GRCh38, 1-based): chr8:38,426,166, T>C on the plus strand (A>G on the coding strand, the complement: FGFR1 is on the minus strand). VCF-style: chr8-38426166-T-C. GRCh37 (hg19) VCF-style: chr8-38283684-T-C.
Other names: c.701A>G, p.Asn234Ser (NM_001174063.2); c.677A>G, p.Asn226Ser (NM_001174064.2); c.695A>G, p.Asn232Ser (NM_001174065.2, NM_001354367.2, NM_001354369.2 and 2 more transcripts); c.434A>G, p.Asn145Ser (NM_001174066.2, NM_023105.3); c.794A>G, p.Asn265Ser (NM_001174067.2); c.428A>G, p.Asn143Ser (NM_001354368.2, NM_001354370.2, NM_023106.3); short protein forms N143S, N145S, N226S, N232S, N234S, N265S.
Identifiers: ClinVar variation 4855974 (VCV004855974.1).

ClinVar aggregate classification (germline): Uncertain significance (1 of 4 stars; one submission).

Conditions:
Hypogonadotropic hypogonadism 2 with or without anosmia (HH2). Also called: HYPOGONADOTROPIC HYPOGONADISM 2 WITHOUT ANOSMIA, SUSCEPTIBILITY TO; HYPOGONADOTROPIC HYPOGONADISM 2 WITHOUT ANOSMIA; HYPOGONADOTROPIC HYPOGONADISM 2 WITH OR WITHOUT ANOSMIA, SUSCEPTIBILITY TO; FGFR1-Related GnRH Deficiency (Kallmann Syndrome 2). Identifiers: Orphanet 478, MedGen C1563720, MONDO:0007844, OMIM 147950. Disease mechanism: loss of function.

Submission:

3billion
Classification: Uncertain significance for Hypogonadotropic hypogonadism 2 with or without anosmia. Last evaluated: 2025-10-07. Review status: criteria provided, single submitter. Criteria: ACMG Guidelines, 2015. Collection method: clinical testing. Allele origin: germline. Affected: yes.
Comment: The variant is not observed in the gnomAD v4.1.0 dataset. Predicted Consequence/Location: Missense variant In silico tool predictions suggest damaging effect of the variant on gene or gene product [REVEL: 0.86 (>=0.6, sensitivity 0.68 and specificity 0.92); 3Cnet: 0.99 (> 0.75, sensitivity 0.96 and precision 0.92)]. Different missense changes at the same codon have been reported as of uncertain significance (ClinVar ID: VCV002505414). Therefore, this variant is classified as VUS according to the recommendation of ACMG/AMP guideline.